The following is an entry in ClinVar:

ClinVar aggregate classification (germline): Conflicting classifications of pathogenicity. Review status: criteria provided, conflicting classifications (1 of 4 stars). 5 submissions from 5 submitters: Pathogenic (1); Likely pathogenic (2); Uncertain significance (2). Last evaluated 2024-04-10.

Conditions:
SCN4A-related disorder. Also called: SCN4A-related disorders.
Hyperkalemic periodic paralysis. Also called: Gamstorp disease; Familial hyperkalemic periodic paralysis. Identifiers: Orphanet 682, MedGen C0238357, MONDO:0008224, OMIM 170500, HP:0007215.

Allele frequency attached by ClinVar (database versions not stated): gnomAD exomes below 0.00001.
gnomAD v4.1: 1 of 1,608,722 alleles (0.000062%); highest among the groups gnomAD compares: Non-Finnish European, 0.000085%; no homozygotes.

Submissions (5):

Blueprint Genetics
Classification: Likely pathogenic for SCN4A-related disorders. Last evaluated: 2024-04-10. Review status: criteria provided, single submitter. Criteria: ACMG Guidelines, 2015. Collection method: clinical testing. Allele origin: germline. Affected: yes. Observed: 2 variant alleles.

Labcorp Genetics (formerly Invitae), Labcorp
Classification: Uncertain significance for Hyperkalemic periodic paralysis. Last evaluated: 2023-12-30. Review status: criteria provided, single submitter. Criteria: Invitae Variant Classification Sherloc (09022015). Collection method: clinical testing. Allele origin: germline.
Comment: This sequence change replaces phenylalanine, which is neutral and non-polar, with cysteine, which is neutral and slightly polar, at codon 1298 of the SCN4A protein (p.Phe1298Cys). This variant is not present in population databases (gnomAD no frequency). This missense change has been observed in individual(s) with autosomal dominant SCN4A-related conditions (PMID: 27104891, 30611854, 32528171, 33263785). ClinVar contains an entry for this variant (Variation ID: 287216). Advanced modeling of protein sequence and biophysical properties (such as structural, functional, and spatial information, amino acid conservation, physicochemical variation, residue mobility, and thermodynamic stability) performed at Invitae indicates that this missense variant is expected to disrupt SCN4A protein function with a positive predictive value of 95%. Experimental studies have shown that this missense change affects SCN4A function (PMID: 30611854). In summary, the available evidence is currently insufficient to determine the role of this variant in disease. Therefore, it has been classified as a Variant of Uncertain Significance.

GeneDx
Classification: Likely pathogenic. Last evaluated: 2023-11-14. Review status: criteria provided, single submitter. Criteria: GeneDx Variant Classification Process June 2021. Collection method: clinical testing. Allele origin: germline. Affected: yes.
Comment: Reported previously in a patient with diffuse muscle pain and myotonic discharges on EMG and in a patient with non-dystrophic myotonia; however, no further clinical or segregation information was provided (PMID: 27104891, 33263785); Reported previously in a patient with sodium channel myopathy and an unaffected family member who showed myotonic discharges on EMG (PMID: 32849172); Reported previously as a paternally inherited variant in a patient with cold-sensitive myotonia; the father was reported to be asymptomatic (PMID: 30611854); Published functional studies demonstrate a damaging effect and show that this variant impairs fast inactivation (PMID: 30611854); In silico analysis supports that this missense variant has a deleterious effect on protein structure/function; Not observed at significant frequency in large population cohorts (gnomAD); This variant is associated with the following publications: (PMID: 32528171, 33325393, 30611854, 32849172, 27104891, 33263785)

Athena Diagnostics
Classification: Pathogenic. Last evaluated: 2022-07-27. Review status: criteria provided, single submitter. Criteria: Athena Diagnostics Criteria. Collection method: clinical testing. Allele origin: unknown.
Comment: This variant has been identified in multiple unrelated individuals with myotonia. This variant has not been reported in large, multi-ethnic general populations. Assessment of experimental evidence suggests this variant results in abnormal protein function. The variant caused an increase in window current (PMID: 30611854).

Eurofins Ntd Llc (ga)
Classification: Uncertain significance. Last evaluated: 2016-04-07. Review status: criteria provided, single submitter. Criteria: EGL Classification Definitions 2015. Collection method: clinical testing. Allele origin: germline. Observed: 2 variant alleles, 2 heterozygotes.

Literature cited by the submitters: PubMed 27104891 (cited by Labcorp Genetics (formerly Invitae), Labcorp and Athena Diagnostics); PubMed 30611854 (cited by Labcorp Genetics (formerly Invitae), Labcorp and Athena Diagnostics); PubMed 32528171 (cited by Labcorp Genetics (formerly Invitae), Labcorp and Athena Diagnostics); PubMed 33263785 (cited by Labcorp Genetics (formerly Invitae), Labcorp and Athena Diagnostics); PubMed 32849172 (cited by Athena Diagnostics).

NM_000334.4(SCN4A):c.3893T>G (p.Phe1298Cys)

Genes: GH-LCR (growth hormone locus control region; plus strand), SCN4A (sodium voltage-gated channel alpha subunit 4; minus strand). Cytogenetic location: 17q23.3.
Variant type: single nucleotide variant.
Coding change: c.3893T>G on transcript NM_000334.4 (MANE Select); coding-DNA position 3893, T replaced by G.
Protein change: p.Phe1298Cys; replaces phenylalanine 1298 with cysteine.
Molecular consequence: missense variant.
Genome position (GRCh38, 1-based): chr17:63,944,692, A>C on the plus strand (T>G on the coding strand, the complement: SCN4A is on the minus strand). VCF-style: chr17-63944692-A-C. GRCh37 (hg19) VCF-style: chr17-62022052-A-C.
Other names: short protein forms F1298C.
Identifiers: ClinVar variation 287216 (VCV000287216.18), dbSNP rs886043595, ClinGen allele CA10605700.